The following is an entry in ClinVar:

ClinVar aggregate classification (germline): Uncertain significance (1 of 4 stars; one submission).

Conditions:
Thrombophilia due to protein S deficiency, autosomal recessive (THPH6). Identifiers: Orphanet 743, MedGen C3281092, MONDO:0013791, OMIM 614514. Disease mechanism: loss of function.

Submission:

Labcorp Genetics (formerly Invitae), Labcorp
Classification: Uncertain significance for Thrombophilia due to protein S deficiency, autosomal recessive. Last evaluated: 2018-10-04. Review status: criteria provided, single submitter. Criteria: Invitae Variant Classification Sherloc (09022015). Collection method: clinical testing. Allele origin: germline.
Comment: In summary, the available evidence is currently insufficient to determine the role of this variant in disease. Therefore, it has been classified as a Variant of Uncertain Significance. Algorithms developed to predict the effect of missense changes on protein structure and function (SIFT, PolyPhen-2, Align-GVGD) all suggest that this variant is likely to be disruptive, but these predictions have not been confirmed by published functional studies and their clinical significance is uncertain. This variant has not been reported in the literature in individuals with PROS1-related disease. This variant is not present in population databases (ExAC no frequency). This sequence change replaces phenylalanine with serine at codon 329 of the PROS1 protein (p.Phe329Ser). The phenylalanine residue is highly conserved and there is a large physicochemical difference between phenylalanine and serine.

NM_000313.4(PROS1):c.986T>C (p.Phe329Ser)

Gene: PROS1 (protein S; minus strand). Cytogenetic location: 3q11.1.
Variant type: single nucleotide variant.
Coding change: c.986T>C on transcript NM_000313.4 (MANE Select); coding-DNA position 986, T replaced by C.
Protein change: p.Phe329Ser; replaces phenylalanine 329 with serine.
Molecular consequence: missense variant.
Genome position (GRCh38, 1-based): chr3:93,893,102, A>G on the plus strand (T>C on the coding strand, the complement: PROS1 is on the minus strand). VCF-style: chr3-93893102-A-G. GRCh37 (hg19) VCF-style: chr3-93611946-A-G.
Other names: c.1082T>C, p.Phe361Ser (NM_001314077.2); short protein forms F361S, F329S.
Identifiers: ClinVar variation 643843 (VCV000643843.5), dbSNP rs1576180273, ClinGen allele CA353672440.